The following is an entry in ClinVar:

ClinVar aggregate classification (germline): Uncertain significance. Review status: criteria provided, multiple submitters, no conflicts (2 of 4 stars). 2 submissions from 2 submitters: Uncertain significance (2). Last evaluated 2026-07-02.

Conditions:
Hereditary cancer-predisposing syndrome. Also called: Hereditary neoplastic syndrome; Neoplastic Syndromes, Hereditary; Tumor predisposition; Hereditary Cancer Syndrome. Identifiers: Orphanet 140162, MedGen C0027672, MeSH D009386, MONDO:0015356.

Submissions (2):

Ambry Genetics
Classification: Uncertain significance for Hereditary cancer-predisposing syndrome. Last evaluated: 2026-07-02. Review status: criteria provided, single submitter. Criteria: Ambry Variant Classification Scheme 2023. Collection method: clinical testing. Allele origin: germline.
Comment: The p.P1236R variant (also known as c.3707C>G), located in coding exon 19 of the BRIP1 gene, results from a C to G substitution at nucleotide position 3707. The proline at codon 1236 is replaced by arginine, an amino acid with dissimilar properties. This amino acid position is conserved. In addition, this alteration is predicted to be tolerated by in silico analysis. Based on the available evidence, the clinical significance of this variant remains unclear.

Quest Diagnostics Nichols Institute San Juan Capistrano
Classification: Uncertain significance. Last evaluated: 2024-08-28. Review status: criteria provided, single submitter. Criteria: Quest Diagnostics criteria. Collection method: clinical testing. Allele origin: unknown.
Comment: The BRIP1 c.3707C>G (p.Pro1236Arg) variant has not been reported in individuals with BRIP1-related conditions in the published literature. It also has not been reported in large, multi-ethnic general populations (Genome Aggregation Database). Analysis of this variant using bioinformatics tools for the prediction of the effect of amino acid changes on protein structure and function yielded predictions that this variant is benign. Based on the available information, we are unable to determine the clinical significance of this variant.

NM_032043.3(BRIP1):c.3707C>G (p.Pro1236Arg)

Gene: BRIP1 (BRCA1 interacting DNA helicase 1; minus strand). Cytogenetic location: 17q23.2.
Variant type: single nucleotide variant.
Coding change: c.3707C>G on transcript NM_032043.3 (MANE Select); coding-DNA position 3707, C replaced by G.
Protein change: p.Pro1236Arg; replaces proline 1236 with arginine.
Molecular consequence: missense variant.
Genome position (GRCh38, 1-based): chr17:61,683,339, G>C on the plus strand (C>G on the coding strand, the complement: BRIP1 is on the minus strand). VCF-style: chr17-61683339-G-C. GRCh37 (hg19) VCF-style: chr17-59760700-G-C.
Other names: short protein forms P1236R.
Identifiers: ClinVar variation 3482484 (VCV003482484.3).